The following is an entry in ClinVar:

ClinVar aggregate classification (germline): Uncertain significance. Review status: criteria provided, multiple submitters, no conflicts (2 of 4 stars). 4 submissions from 4 submitters: Uncertain significance (4). Last evaluated 2025-11-10.

Conditions:
MYPN-related disorder. Also called: MYPN-related condition.
MYPN-related myopathy (CMYO24). Also called: Nemaline myopathy 11, autosomal recessive. Identifiers: MedGen C4479186, MONDO:0015023, OMIM 617336.
Dilated cardiomyopathy 1KK (CMD1KK). Identifiers: Orphanet 154, Orphanet 75249, MedGen C3714995, MONDO:0014100, OMIM 615248.
Cardiovascular phenotype. Identifiers: MedGen CN230736.

Allele frequency attached by ClinVar (database versions not stated): gnomAD 0.00001; gnomAD exomes 0.00001 and 0.00004; ExAC 0.00002; TOPMed 0.00003.
gnomAD v4.1: 13 of 1,614,168 alleles (0.00081%); highest among the groups gnomAD compares: East Asian, 0.025%; no homozygotes.

Submissions (4):

Ambry Genetics
Classification: Uncertain significance for Cardiovascular phenotype. Last evaluated: 2025-11-10. Review status: criteria provided, single submitter. Criteria: Ambry Variant Classification Scheme 2023. Collection method: clinical testing. Allele origin: germline.
Comment: The p.S591G variant (also known as c.1771A>G), located in coding exon 9 of the MYPN gene, results from an A to G substitution at nucleotide position 1771. The serine at codon 591 is replaced by glycine, an amino acid with similar properties. This amino acid position is conserved. In addition, this alteration is predicted to be tolerated by in silico analysis. Since supporting evidence is limited at this time, the clinical significance of this alteration remains unclear.

PreventionGenetics, part of Exact Sciences
Classification: Uncertain significance for MYPN-related condition. Last evaluated: 2024-11-20. Review status: criteria provided, single submitter. Criteria: ACMG Guidelines, 2015. Collection method: clinical testing. Allele origin: germline.
Comment: The MYPN c.1771A>G variant is predicted to result in the amino acid substitution p.Ser591Gly. To our knowledge, this variant has not been reported in the literature. This variant is reported in 0.044% of alleles in individuals of East Asian descent in gnomAD. At this time, the clinical significance of this variant is uncertain due to the absence of conclusive functional and genetic evidence.

Labcorp Genetics (formerly Invitae), Labcorp
Classification: Uncertain significance for Dilated cardiomyopathy 1KK. Last evaluated: 2023-10-03. Review status: criteria provided, single submitter. Criteria: Invitae Variant Classification Sherloc (09022015). Collection method: clinical testing. Allele origin: germline.
Comment: This sequence change replaces serine, which is neutral and polar, with glycine, which is neutral and non-polar, at codon 591 of the MYPN protein (p.Ser591Gly). This variant is present in population databases (rs767800921, gnomAD 0.05%). This variant has not been reported in the literature in individuals affected with MYPN-related conditions. ClinVar contains an entry for this variant (Variation ID: 1026210). An algorithm developed to predict the effect of missense changes on protein structure and function (PolyPhen-2) suggests that this variant is likely to be disruptive. In summary, the available evidence is currently insufficient to determine the role of this variant in disease. Therefore, it has been classified as a Variant of Uncertain Significance.

Fulgent Genetics
Classification: Uncertain significance for Dilated cardiomyopathy 1KK; MYPN-related myopathy. Last evaluated: 2021-08-23. Review status: criteria provided, single submitter. Criteria: ACMG Guidelines, 2015. Collection method: clinical testing. Allele origin: unknown.

NM_032578.4(MYPN):c.1771A>G (p.Ser591Gly)

Gene: MYPN (myopalladin; plus strand). Cytogenetic location: 10q21.3.
Variant type: single nucleotide variant.
Coding change: c.1771A>G on transcript NM_032578.4 (MANE Select); coding-DNA position 1771, A replaced by G.
Protein change: p.Ser591Gly; replaces serine 591 with glycine.
Molecular consequence: missense variant. On other transcripts: non-coding transcript variant (2).
Genome position (GRCh38, 1-based): chr10:68,166,464, A>G. VCF-style: chr10-68166464-A-G. GRCh37 (hg19) VCF-style: chr10-69926221-A-G.
Other names: c.1771A>G (NM_032578.2, NM_032578.3); c.1771A>G, p.Ser591Gly (NM_001256267.2); c.889A>G, p.Ser297Gly (NM_001256268.2); short protein forms S297G, S591G.
Identifiers: ClinVar variation 1026210 (VCV001026210.12), dbSNP rs767800921, ClinGen allele CA5522655.